The following is an entry in ClinVar:

ClinVar aggregate classification (germline): Likely benign. Review status: criteria provided, multiple submitters, no conflicts (2 of 4 stars). 3 submissions from 3 submitters: Likely benign (2). 1 of the submissions does not count toward it. Last evaluated 2025-12-10.

Conditions:
Hereditary cancer-predisposing syndrome. Also called: Tumor predisposition; Hereditary neoplastic syndrome; Neoplastic Syndromes, Hereditary; Hereditary Cancer Syndrome. Identifiers: Orphanet 140162, MedGen C0027672, MeSH D009386, MONDO:0015356.
ALK-related disorder. Also called: ALK-related condition.
Neuroblastoma, susceptibility to, 3. Also called: ALK-Related Neuroblastic Tumor Susceptibility. Identifiers: Orphanet 635, MedGen C2751681, MONDO:0013083, OMIM 613014.

Allele frequency attached by ClinVar (database versions not stated): 1000 Genomes Project 30x 0.00016; 1000 Genomes Project 0.00020.
gnomAD v4.1: 18 of 1,613,626 alleles (0.0011%); highest among the groups gnomAD compares: African/African-American, 0.0027%; no homozygotes.

Submissions (3):

Labcorp Genetics (formerly Invitae), Labcorp
Classification: Likely benign for Neuroblastoma, susceptibility to, 3. Last evaluated: 2025-12-10. Review status: criteria provided, single submitter. Criteria: Invitae Variant Classification Sherloc (09022015). Collection method: clinical testing. Allele origin: germline.

Ambry Genetics
Classification: Likely benign for Hereditary cancer-predisposing syndrome. Last evaluated: 2022-03-16. Review status: criteria provided, single submitter. Criteria: Ambry Variant Classification Scheme 2023. Collection method: clinical testing. Allele origin: germline.

PreventionGenetics, part of Exact Sciences
Classification: Likely benign for ALK-related condition. Last evaluated: 2021-12-17. Review status: no assertion criteria provided. Collection method: clinical testing. Allele origin: germline. Not counted in ClinVar's aggregate classification.
Comment: This variant is classified as likely benign based on ACMG/AMP sequence variant interpretation guidelines (Richards et al. 2015 PMID: 25741868, with internal and published modifications).

NM_004304.5(ALK):c.1626G>A (p.Pro542=)

Gene: ALK (ALK receptor tyrosine kinase; minus strand). Cytogenetic location: 2p23.2.
Variant type: single nucleotide variant.
Coding change: c.1626G>A on transcript NM_004304.5 (MANE Select); coding-DNA position 1626, G replaced by A.
Protein change: p.Pro542=; no amino-acid change (proline 542 retained).
Molecular consequence: synonymous variant.
Genome position (GRCh38, 1-based): chr2:29,318,325, C>T on the plus strand (G>A on the coding strand, the complement: ALK is on the minus strand). VCF-style: chr2-29318325-C-T. GRCh37 (hg19) VCF-style: chr2-29541191-C-T.
Identifiers: ClinVar variation 703721 (VCV000703721.16), dbSNP rs143916398, ClinGen allele CA1594588.
Genomic context (GRCh38, chr2:29,318,325, plus strand): 5'-GAGGAGAAATTAGAGAACTAGAGAAACAAGGAGACTTGCCTCACATGGAGAGCTCTTGAT[C>T]GGTGCAGGAAACGTAGCACTGGTCACTGTAGCACTTTCAGAAGCGGGGACATCAGTGGTA-3'
Protein context (NP_004295.2, residues 532-552): ATVTSATFPA[Pro542=]IKSSPCELRM